The following is an entry in ClinVar:

ClinVar aggregate classification (germline): Uncertain significance. Review status: criteria provided, multiple submitters, no conflicts (2 of 4 stars). 2 submissions from 2 submitters: Uncertain significance (2). Last evaluated 2022-06-30.

Conditions:
Peroxisome biogenesis disorder 2B (PBD2B). Identifiers: Orphanet 44, MedGen C3550234, MONDO:0008736, OMIM 202370.

Allele frequency attached by ClinVar (database versions not stated): TOPMed 0.00001.
gnomAD v4.1: 17 of 1,614,014 alleles (0.0011%); highest among the groups gnomAD compares: Non-Finnish European, 0.0014%; no homozygotes.

Submissions (2):

Labcorp Genetics (formerly Invitae), Labcorp
Classification: Uncertain significance for Peroxisome biogenesis disorder 2B. Last evaluated: 2022-06-30. Review status: criteria provided, single submitter. Criteria: Invitae Variant Classification Sherloc (09022015). Collection method: clinical testing. Allele origin: germline.
Comment: This variant is not present in population databases (gnomAD no frequency). This variant has not been reported in the literature in individuals affected with PEX5-related conditions. Algorithms developed to predict the effect of missense changes on protein structure and function are either unavailable or do not agree on the potential impact of this missense change (SIFT: "Deleterious"; PolyPhen-2: "Probably Damaging"; Align-GVGD: "Class C0"). In summary, the available evidence is currently insufficient to determine the role of this variant in disease. Therefore, it has been classified as a Variant of Uncertain Significance. This sequence change replaces aspartic acid, which is acidic and polar, with histidine, which is basic and polar, at codon 505 of the PEX5 protein (p.Asp505His).

Blueprint Genetics
Classification: Uncertain significance. Last evaluated: 2022-03-18. Review status: criteria provided, single submitter. Criteria: ACMG Guidelines, 2015. Collection method: clinical testing. Allele origin: germline.

NM_001351132.2(PEX5):c.1513G>C (p.Asp505His)

Gene: PEX5 (peroxisomal biogenesis factor 5; plus strand). Cytogenetic location: 12p13.31.
Variant type: single nucleotide variant.
Coding change: c.1513G>C on transcript NM_001351132.2 (MANE Select); coding-DNA position 1513, G replaced by C.
Protein change: p.Asp505His; replaces aspartic acid 505 with histidine.
Molecular consequence: missense variant.
Genome position (GRCh38, 1-based): chr12:7,209,123, G>C. VCF-style: chr12-7209123-G-C. GRCh37 (hg19) VCF-style: chr12-7361719-G-C.
Other names: c.1489G>C, p.Asp497His (NM_000319.5); c.1558G>C, p.Asp520His (NM_001131023.2); c.1402G>C, p.Asp468His (NM_001131024.2, NM_001351124.3, NM_001351126.2 and 7 more transcripts); c.1513G>C, p.Asp505His (NM_001131025.2, NM_001131026.2, NM_001300789.3 and 4 more transcripts); c.1447G>C, p.Asp483His (NM_001351135.3, NM_001351138.2); c.1504G>C, p.Asp502His (NM_001351136.2); c.1378G>C, p.Asp460His (NM_001351139.2, NM_001351140.2, NM_001374649.2); short protein forms D497H, D505H, D483H, D468H, D502H, D520H, D460H.
Identifiers: ClinVar variation 2012193 (VCV002012193.4), dbSNP rs775935095, ClinGen allele CA383735541.